The following is an entry in ClinVar:

ClinVar aggregate classification (germline): Uncertain significance (1 of 4 stars; one submission).

Conditions:
Brachyolmia-amelogenesis imperfecta syndrome. Also called: Tooth agenesis, selective, 6; Dental anomalies and short stature; PLATYSPONDYLY WITH AMELOGENESIS IMPERFECTA. Identifiers: Orphanet 2899, MedGen C1832594, MONDO:0011018, OMIM 601216. Disease mechanism: loss of function.

Submission:

Labcorp Genetics (formerly Invitae), Labcorp
Classification: Uncertain significance for Brachyolmia-amelogenesis imperfecta syndrome. Last evaluated: 2022-07-10. Review status: criteria provided, single submitter. Criteria: Invitae Variant Classification Sherloc (09022015). Collection method: clinical testing. Allele origin: germline.
Comment: This sequence change replaces glycine, which is neutral and non-polar, with serine, which is neutral and polar, at codon 121 of the LTBP3 protein (p.Gly121Ser). This variant is not present in population databases (gnomAD no frequency). This variant has not been reported in the literature in individuals affected with LTBP3-related conditions. Algorithms developed to predict the effect of missense changes on protein structure and function are either unavailable or do not agree on the potential impact of this missense change (SIFT: "Deleterious"; PolyPhen-2: "Probably Damaging"; Align-GVGD: "Class C0"). In summary, the available evidence is currently insufficient to determine the role of this variant in disease. Therefore, it has been classified as a Variant of Uncertain Significance.

NM_001130144.3(LTBP3):c.361G>A (p.Gly121Ser)

Gene: LTBP3 (latent transforming growth factor beta binding protein 3; minus strand). Cytogenetic location: 11q13.1.
Variant type: single nucleotide variant.
Coding change: c.361G>A on transcript NM_001130144.3 (MANE Select); coding-DNA position 361, G replaced by A.
Protein change: p.Gly121Ser; replaces glycine 121 with serine.
Molecular consequence: missense variant.
Genome position (GRCh38, 1-based): chr11:65,554,351, C>T on the plus strand (G>A on the coding strand, the complement: LTBP3 is on the minus strand). VCF-style: chr11-65554351-C-T. GRCh37 (hg19) VCF-style: chr11-65321822-C-T.
Other names: c.10G>A, p.Gly4Ser (NM_001164266.1); c.361G>A, p.Gly121Ser (NM_021070.4); short protein forms G4S, G121S.
Identifiers: ClinVar variation 2198782 (VCV002198782.4), dbSNP rs1424454140, ClinGen allele CA381276778.